The following is an entry in ClinVar:

ClinVar aggregate classification (germline): Likely benign. Review status: criteria provided, multiple submitters, no conflicts (2 of 4 stars). 6 submissions from 6 submitters: Likely benign (6). Last evaluated 2025-06-25.

Conditions:
Cardiovascular phenotype. Identifiers: MedGen CN230736.
Hypertrophic cardiomyopathy. Also called: HYPERTROPHIC MYOCARDIOPATHY. Identifiers: Orphanet 217569, MedGen C0007194, MeSH D002312, MONDO:0005045, HP:0001639.
Cardiomyopathy (CMYO). Also called: Cardiomyopathies. Identifiers: Orphanet 167848, MedGen C0878544, MONDO:0004994, HP:0001638. Inheritance: Various modes of inheritance.

Allele frequency attached by ClinVar (database versions not stated): gnomAD exomes 0.00005; TOPMed 0.00005; ExAC 0.00015.
gnomAD v4.1: 58 of 1,557,724 alleles (0.0037%); highest among the groups gnomAD compares: South Asian, 0.019%; no homozygotes.

Submissions (6):

Labcorp Genetics (formerly Invitae), Labcorp
Classification: Likely benign for Hypertrophic cardiomyopathy. Last evaluated: 2025-06-25. Review status: criteria provided, single submitter. Criteria: Invitae Variant Classification Sherloc (09022015). Collection method: clinical testing. Allele origin: germline.

Blueprint Genetics
Classification: Likely benign. Last evaluated: 2024-07-02. Review status: criteria provided, single submitter. Criteria: ACMG Guidelines, 2015. Collection method: clinical testing. Allele origin: germline.

All of Us Research Program, National Institutes of Health
Classification: Likely benign for Hypertrophic cardiomyopathy. Last evaluated: 2023-12-01. Review status: criteria provided, single submitter. Criteria: ACMG Guidelines, 2015. Collection method: clinical testing. Allele origin: germline. Inheritance: Autosomal dominant inheritance. Observed: 10 variant alleles, 10 heterozygotes.
Comment: This study involves interpretation of variants in research participants for the purpose of population health screening. Participant phenotype was not available at the time of variant classification. Additional details can be found in publication PMID: 35346344, PMCID: PMC8962531

Ambry Genetics
Classification: Likely benign for Cardiovascular phenotype. Last evaluated: 2022-03-08. Review status: criteria provided, single submitter. Criteria: Ambry Variant Classification Scheme 2023. Collection method: clinical testing. Allele origin: germline.

Color Diagnostics, LLC DBA Color Health
Classification: Likely benign for Cardiomyopathy. Last evaluated: 2018-11-27. Review status: criteria provided, single submitter. Criteria: ACMG Guidelines, 2015. Collection method: clinical testing. Allele origin: germline.

GeneDx
Classification: Likely benign. Last evaluated: 2016-05-03. Review status: criteria provided, single submitter. Criteria: GeneDx Variant Classification (06012015). Collection method: clinical testing. Allele origin: germline. Affected: yes.
Comment: This variant is considered likely benign or benign based on one or more of the following criteria: it is a conservative change, it occurs at a poorly conserved position in the protein, it is predicted to be benign by multiple in silico algorithms, and/or has population frequency not consistent with disease.

NM_000256.3(MYBPC3):c.372C>T (p.Ala124=)

Gene: MYBPC3 (myosin binding protein C3; minus strand). Cytogenetic location: 11p11.2.
Variant type: single nucleotide variant.
Coding change: c.372C>T on transcript NM_000256.3 (MANE Select); coding-DNA position 372, C replaced by T.
Protein change: p.Ala124=; no amino-acid change (alanine 124 retained).
Molecular consequence: synonymous variant.
Genome position (GRCh38, 1-based): chr11:47,350,536, G>A on the plus strand (C>T on the coding strand, the complement: MYBPC3 is on the minus strand). VCF-style: chr11-47350536-G-A. GRCh37 (hg19) VCF-style: chr11-47372087-G-A.
Other names: c.372C>T, p.Ala124= (LRG_386t1).
Identifiers: ClinVar variation 385955 (VCV000385955.14), dbSNP rs11570046, ClinGen allele CA054794.
Genomic context (GRCh38, chr11:47,350,536, plus strand): 5'-GCCCCTCCCTGCCCAGCCCCTCTCACCTTTGGGACTTGGGGCACTTTCTCCCAGCTCAGC[G>A]GCTGGGGCCGGGGCTTCTCCAGGGGCTCCAGTGGCCTCAGCAGGGGCAGGGGCAGGGGCC-3'
Protein context (NP_000247.2, residues 114-134): TGAPGEAPAP[Ala124=]AELGESAPSP